The following is an entry in ClinVar:

ClinVar aggregate classification (germline): Uncertain significance (1 of 4 stars; one submission).

Submission:

Labcorp Genetics (formerly Invitae), Labcorp
Classification: Uncertain significance. Last evaluated: 2025-04-22. Review status: criteria provided, single submitter. Criteria: Invitae Variant Classification Sherloc (09022015). Collection method: clinical testing. Allele origin: germline.
Comment: This sequence change replaces alanine, which is neutral and non-polar, with threonine, which is neutral and polar, at codon 974 of the COL11A2 protein (p.Ala974Thr). The frequency data for this variant in the population databases is considered unreliable, as metrics indicate poor data quality at this position in the gnomAD database. This variant has not been reported in the literature in individuals affected with COL11A2-related conditions. Invitae Evidence Modeling of protein sequence and biophysical properties (such as structural, functional, and spatial information, amino acid conservation, physicochemical variation, residue mobility, and thermodynamic stability) indicates that this missense variant is not expected to disrupt COL11A2 protein function with a negative predictive value of 95%. In summary, the available evidence is currently insufficient to determine the role of this variant in disease. Therefore, it has been classified as a Variant of Uncertain Significance.

NM_080680.3(COL11A2):c.2920G>A (p.Ala974Thr)

Gene: COL11A2 (collagen type XI alpha 2 chain; minus strand). Cytogenetic location: 6p21.32.
Variant type: single nucleotide variant.
Coding change: c.2920G>A on transcript NM_080680.3 (MANE Select); coding-DNA position 2920, G replaced by A.
Protein change: p.Ala974Thr; replaces alanine 974 with threonine.
Molecular consequence: missense variant.
Genome position (GRCh38, 1-based): chr6:33,172,357, C>T on the plus strand (G>A on the coding strand, the complement: COL11A2 is on the minus strand). VCF-style: chr6-33172357-C-T. GRCh37 (hg19) VCF-style: chr6-33140134-C-T.
Other names: c.2740G>A, p.Ala914Thr (NM_001424108.1); c.2074G>A, p.Ala692Thr (NM_001424109.1); c.1894G>A, p.Ala632Thr (NM_001424110.1, NM_001424111.1); c.874G>A, p.Ala292Thr (NM_001424112.1); c.2599G>A, p.Ala867Thr (NM_080679.3); c.2662G>A, p.Ala888Thr (NM_080681.3); short protein forms A292T, A632T, A692T, A867T, A888T, A914T, A974T.
Identifiers: ClinVar variation 4799607 (VCV004799607.1).